The following is an entry in ClinVar:

NM_001267550.2(TTN):c.87256A>T (p.Lys29086Ter)

Genes: TTN (titin; minus strand), TTN-AS1 (TTN antisense RNA 1; plus strand). Cytogenetic location: 2q31.2.
Variant type: single nucleotide variant.
Coding change: c.87256A>T on transcript NM_001267550.2 (MANE Select); coding-DNA position 87256, A replaced by T.
Protein change: p.Lys29086Ter; replaces lysine 29086 with a stop codon.
Molecular consequence: nonsense.
Genome position (GRCh38, 1-based): chr2:178,558,098, T>A on the plus strand (A>T on the coding strand, the complement: TTN is on the minus strand). VCF-style: chr2-178558098-T-A. GRCh37 (hg19) VCF-style: chr2-179422825-T-A.
Other names: c.82333A>T, p.Lys27445Ter (NM_001256850.1); c.60061A>T, p.Lys20021Ter (NM_003319.4); c.79552A>T, p.Lys26518Ter (NM_133378.4); c.60436A>T, p.Lys20146Ter (NM_133432.3); c.60637A>T, p.Lys20213Ter (NM_133437.4); short protein forms K20146*, K26518*, K20021*, K27445*, K20213*, K29086*.
Identifiers: ClinVar variation 3463814 (VCV003463814.1).

ClinVar aggregate classification (germline): Likely pathogenic (1 of 4 stars; one submission).

Conditions:
Cardiovascular phenotype. Identifiers: MedGen CN230736.

Submission:

Ambry Genetics
Classification: Likely pathogenic for Cardiovascular phenotype. Last evaluated: 2024-10-29. Review status: criteria provided, single submitter. Criteria: Ambry Variant Classification Scheme 2023. Collection method: clinical testing. Allele origin: germline.
Comment: The p.K20021* variant (also known as c.60061A>T), located in coding exon 155 of the TTN gene, results from an A to T substitution at nucleotide position 60061. This changes the amino acid from a lysine to a stop codon within coding exon 155. This exon is located in the A-band region of the N2-B isoform of the titin protein and is constitutively expressed in TTN transcripts (percent spliced in or PSI 100%). This variant is considered to be rare based on population cohorts in the Genome Aggregation Database (gnomAD). This alteration is expected to result in loss of function by premature protein truncation or nonsense-mediated mRNA decay. While truncating variants in TTN are present in 1-3% of the general population, truncating variants in the A-band are the most common cause of dilated cardiomyopathy (DCM) (Herman DS et al. N. Engl. J. Med., 2012 Feb;366:619-28; Roberts AM et al. Sci Transl Med, 2015 Jan;7:270ra6). TTN truncating variants encoded in constitutive exons (PSI >90%) have been found to be significantly associated with DCM regardless of their position in titin (Schafer S et al. Nat. Genet., 2017 01;49:46-53). Based on the majority of available evidence to date, this variant is likely to be pathogenic.